The following is an entry in ClinVar:

ClinVar aggregate classification (germline): Uncertain significance (1 of 4 stars; one submission).

Conditions:
Hereditary cancer-predisposing syndrome. Also called: Tumor predisposition; Hereditary Cancer Syndrome; Neoplastic Syndromes, Hereditary; Hereditary neoplastic syndrome. Identifiers: Orphanet 140162, MedGen C0027672, MeSH D009386, MONDO:0015356.

Submission:

Ambry Genetics
Classification: Uncertain significance for Hereditary cancer-predisposing syndrome. Last evaluated: 2022-02-28. Review status: criteria provided, single submitter. Criteria: Ambry Variant Classification Scheme 2023. Collection method: clinical testing. Allele origin: germline.
Comment: The p.H95R variant (also known as c.284A>G), located in coding exon 3 of the TSC1 gene, results from an A to G substitution at nucleotide position 284. The histidine at codon 95 is replaced by arginine, an amino acid with highly similar properties. This amino acid position is conserved. In addition, this alteration is predicted to be deleterious by in silico analysis. Since supporting evidence is limited at this time, the clinical significance of this alteration remains unclear.

NM_000368.5(TSC1):c.284A>G (p.His95Arg)

Gene: TSC1 (TSC complex subunit 1; minus strand). Cytogenetic location: 9q34.13.
Variant type: single nucleotide variant.
Coding change: c.284A>G on transcript NM_000368.5 (MANE Select); coding-DNA position 284, A replaced by G.
Protein change: p.His95Arg; replaces histidine 95 with arginine.
Molecular consequence: missense variant. On other transcripts: 5 prime UTR variant (1), intron variant (1).
Genome position (GRCh38, 1-based): chr9:132,925,666, T>C on the plus strand (A>G on the coding strand, the complement: TSC1 is on the minus strand). VCF-style: chr9-132925666-T-C. GRCh37 (hg19) VCF-style: chr9-135801053-T-C.
Other names: c.284A>G, p.His95Arg (NM_001162426.2, NM_001406592.1, NM_001406593.1 and 16 more transcripts); c.-80A>G (NM_001362177.2, NM_001406617.1, NM_001406618.1 and 5 more transcripts); c.-172A>G (NM_001406614.1, NM_001406616.1, NM_001406624.1); c.-205A>G (NM_001406615.1, NM_001406623.1); c.-594A>G (NM_001406626.1, NM_001406627.1, NM_001406628.1); c.-736A>G (NM_001406629.1); c.-810A>G (NM_001406630.1); c.210+1535A>G (NM_001162427.2); short protein forms H95R.
Identifiers: ClinVar variation 1796803 (VCV001796803.2), dbSNP rs2132234323, ClinGen allele CA375374589.